The following is an entry in ClinVar:

ClinVar aggregate classification (germline): Uncertain significance (1 of 4 stars; one submission).

Conditions:
Charcot-Marie-Tooth disease recessive intermediate C. Also called: CHARCOT-MARIE-TOOTH NEUROPATHY, RECESSIVE INTERMEDIATE C. Identifiers: Orphanet 369867, MedGen C3809309, MONDO:0014154, OMIM 615376.
Neuronopathy, distal hereditary motor, autosomal recessive 4. Also called: Autosomal recessive lower motor neuron disease with childhood onset; NEUROPATHY, DISTAL HEREDITARY MOTOR, AUTOSOMAL RECESSIVE 4. Identifiers: Orphanet 206580, MedGen C1970211, MONDO:0012608, OMIM 611067.

Submission:

Labcorp Genetics (formerly Invitae), Labcorp
Classification: Uncertain significance for Neuronopathy, distal hereditary motor, autosomal recessive 4; Charcot-Marie-Tooth disease recessive intermediate C. Last evaluated: 2024-01-31. Review status: criteria provided, single submitter. Criteria: Invitae Variant Classification Sherloc (09022015). Collection method: clinical testing. Allele origin: germline.
Comment: This variant, c.1328_1330del, results in the deletion of 1 amino acid(s) of the PLEKHG5 protein (p.Glu443del), but otherwise preserves the integrity of the reading frame. This variant is not present in population databases (gnomAD no frequency). This variant has not been reported in the literature in individuals affected with PLEKHG5-related conditions. Experimental studies and prediction algorithms are not available or were not evaluated, and the functional significance of this variant is currently unknown. In summary, the available evidence is currently insufficient to determine the role of this variant in disease. Therefore, it has been classified as a Variant of Uncertain Significance.

NM_020631.6(PLEKHG5):c.1322AGG[2] (p.Glu443del)

Gene: PLEKHG5 (pleckstrin homology and RhoGEF domain containing G5; minus strand). Cytogenetic location: 1p36.31.
Variant type: Microsatellite.
Coding change: c.1322AGG[2] on transcript NM_020631.6 (MANE Select); two copies in a row of the 3-base unit AGG starting at c.1322; the reference has three copies in a row; one copy, 3 bases deleted.
Protein change: p.Glu443del; deletes glutamic acid 443.
Molecular consequence: inframe deletion. On other transcripts: inframe indel (4).
Genome position (GRCh38, 1-based): chr1:6,471,052-6,471,054, CCT deleted on the plus strand (AGG on the coding strand, the reverse complement: PLEKHG5 is on the minus strand); deleting any 3 consecutive bases within chr1:6,471,052-6,471,062 gives the same sequence; the position shown is the placement nearest the transcript's 3' end. VCF-style (leftmost placement, unchanged base first): chr1-6471051-CCCT-C. GRCh37 (hg19) VCF-style: chr1-6531111-CCCT-C.
Other names: c.1433AGG[2], p.Glu480del (NM_001042663.3, NM_001265592.2); c.1320_1322GGA[2], p.Glu443del (NM_001042664.2, NM_001042665.2, NM_001265594.3); c.1527_1529GGA[2], p.Glu512del (NM_001265593.2); c.1322AGG[2], p.Glu443del (NM_198681.4); short protein forms E480del, E443del, E512del.
Identifiers: ClinVar variation 2116480 (VCV002116480.3), dbSNP rs2148583756, ClinGen allele CA2580611390.
Genomic context (GRCh38, chr1:6,471,051, plus strand): 5'-GTGATGTAGGCCCGGAAGAGGTCGTTGTCGCGCAGCAGGCCGCGCATGTACTCCATGCAG[CCCT>C]CCTCCTCCATGCAGTAGCGGATGTAGGGCTTGAAGAGCGAGCCGAACTGGCCCGGGGCAG-3'